The following is an entry in ClinVar:

ClinVar aggregate classification (germline): Uncertain significance (1 of 4 stars; one submission).

Submission:

GeneDx
Classification: Uncertain significance. Last evaluated: 2026-02-23. Review status: criteria provided, single submitter. Criteria: GeneDx Variant Classification Process June 2021. Collection method: clinical testing. Allele origin: germline.
Comment: Not observed at significant frequency in large population cohorts (gnomAD); In silico analysis suggests that this missense variant does not alter protein structure/function; Has not been previously published as pathogenic or benign to our knowledge

NM_014159.7(SETD2):c.4368C>A (p.Asp1456Glu)

Gene: SETD2 (SET domain containing 2, histone lysine methyltransferase; minus strand). Cytogenetic location: 3p21.31.
Variant type: single nucleotide variant.
Coding change: c.4368C>A on transcript NM_014159.7 (MANE Select); coding-DNA position 4368, C replaced by A.
Protein change: p.Asp1456Glu; replaces aspartic acid 1456 with glutamic acid.
Molecular consequence: missense variant. On other transcripts: non-coding transcript variant (1).
Genome position (GRCh38, 1-based): chr3:47,120,268, G>T on the plus strand (C>A on the coding strand, the complement: SETD2 is on the minus strand). VCF-style: chr3-47120268-G-T. GRCh37 (hg19) VCF-style: chr3-47161758-G-T.
Other names: c.4236C>A, p.Asp1412Glu (NM_001349370.3); short protein forms D1412E, D1456E.
Identifiers: ClinVar variation 4976550 (VCV004976550.1).